The following is an entry in ClinVar:

ClinVar aggregate classification (germline): Likely benign (1 of 4 stars; one submission).

Allele frequency attached by ClinVar (database versions not stated): 1000 Genomes Project 30x 0.00625; 1000 Genomes Project 0.00679; ExAC 0.00743; TOPMed 0.00761; gnomAD 0.00815; ESP Exome Variant Server 0.00831.
gnomAD v4.1: 14,916 of 1,613,714 alleles (0.92%); highest among the groups gnomAD compares: Non-Finnish European, 1%; 69 homozygotes.

Submission:

CeGaT Center for Human Genetics Tuebingen
Classification: Likely benign. Last evaluated: 2024-01-01. Review status: criteria provided, single submitter. Criteria: CeGaT Center For Human Genetics Tuebingen Variant Classification Criteria Version 2. Collection method: clinical testing. Allele origin: germline. Affected: yes. Observed: 2 variant alleles.
Comment: TSPEAR: BS2

NM_144991.3(TSPEAR):c.304-6166C>A

Genes: KRTAP10-1 (keratin associated protein 10-1; minus strand), TSPEAR (thrombospondin type laminin G domain and EAR repeats; minus strand). Cytogenetic location: 21q22.3.
Variant type: single nucleotide variant.
Coding change: c.304-6166C>A on transcript NM_144991.3 (MANE Select); 6166 bases into the intron before coding-DNA position 304, C replaced by A.
Molecular consequence: intron variant. On other transcripts: missense variant (1).
Genome position (GRCh38, 1-based): chr21:44,540,089, G>T on the plus strand (C>A on the coding strand, the complement: TSPEAR is on the minus strand). VCF-style: chr21-44540089-G-T. GRCh37 (hg19) VCF-style: chr21-45959972-G-T.
Other names: c.62C>A, p.Ala21Asp (NM_198691.3); c.100-6166C>A (NM_001272037.2); short protein forms A21D.
Identifiers: ClinVar variation 2652760 (VCV002652760.24), dbSNP rs202090596, ClinGen allele CA10057398.
Genomic context (GRCh38, chr21:44,540,089, plus strand): 5'-GGGGCCGGGGCGCAGCAGCTGAGGGCGCAGCAGTGGGGCTCACAGCAGCTCTCTGGGCAG[G>T]CATCCACCTGCCAGGAGTCGGAGCAAGCGCTGGAGCAGACGGACATGGTGGACGCGGCCA-3'